The following is an entry in ClinVar:

NM_005208.5(CRYBA1):c.215+1G>C

Gene: CRYBA1 (crystallin beta A1; plus strand). Cytogenetic location: 17q11.2.
Variant type: single nucleotide variant.
Coding change: c.215+1G>C on transcript NM_005208.5 (MANE Select); the canonical splice donor site of the intron after coding-DNA position 215, G replaced by C.
Molecular consequence: splice donor variant.
Genome position (GRCh38, 1-based): chr17:29,250,301, G>C. VCF-style: chr17-29250301-G-C. GRCh37 (hg19) VCF-style: chr17-27577319-G-C.
Other names: c.215+1G>C (NM_005208.4).
Identifiers: ClinVar variation 1073011 (VCV001073011.8), dbSNP rs1264025914, ClinGen allele CA398475897.

ClinVar aggregate classification (germline): Pathogenic. Review status: criteria provided, multiple submitters, no conflicts (2 of 4 stars). 2 submissions from 2 submitters: Pathogenic (2). Last evaluated 2026-04-21.

Conditions:
CRYBA1-related disorder. Also called: CRYBA1-related condition.
Cataract 10 multiple types. Also called: CATARACT 10, CONGENITAL ZONULAR, WITH SUTURAL OPACITIES. Identifiers: Orphanet 91492, MedGen C1833229, MONDO:0010948, OMIM 600881.

Submissions (2):

PreventionGenetics, part of Exact Sciences
Classification: Pathogenic for CRYBA1-related condition. Last evaluated: 2026-04-21. Review status: criteria provided, single submitter. Criteria: ACMG Guidelines, 2015. Collection method: clinical testing. Allele origin: germline.
Comment: The CRYBA1 c.215+1G>C variant is predicted to disrupt the GT donor site and interfere with normal splicing. This variant has been reported in individuals with autosomal dominant cataracts (reported as "position 474", Bateman et al. 2000. PubMed ID: 11006214; Table S3, Li et al. 2023. PubMed ID: 36729443). Alternate variants impacting this same splice site (c.215+1G>A, c.215+1G>T) have also been reported in individuals with autosomal dominant cataracts (Kannabiran et al. 1998. PubMed ID: 9788845; Ma et al. 2016. PubMed ID: 26851658; Yang et al. 2011. PubMed ID: 21850182). Functional studies support that variants disrupting this splice donor site result in skipping of exons 3 and 4 (Ma et al. 2016. PubMed ID: 26851658). This variant is absent in a large population database, indicating this variant is rare. Variants that disrupt the consensus splice donor site in CRYBA1 are an established mechanism of disease. This variant is interpreted as pathogenic.

Labcorp Genetics (formerly Invitae), Labcorp
Classification: Pathogenic for Cataract 10 multiple types. Last evaluated: 2020-03-26. Review status: criteria provided, single submitter. Criteria: Invitae Variant Classification Sherloc (09022015). Collection method: clinical testing. Allele origin: germline.
Comment: This sequence change falls in intron 3 of the CRYBA1 gene. It does not directly change the encoded amino acid sequence of the CRYBA1 protein, but it affects a nucleotide within the consensus splice site of the intron. This variant is not present in population databases (ExAC no frequency). Disruption of this splice site has been observed in individual(s) with early onset cataracts (PMID: 11006214, 9788845). It has also been observed to segregate with disease in related individuals. This variant is also known as 474G>C in the literature. Nucleotide substitutions within the consensus splice site are a relatively common cause of aberrant splicing (PMID: 17576681, 9536098). Experimental studies have shown that disruption of this splice site results in in-frame skipping of exons 3 and 4, resulting in a truncated protein product (PMID: 26851658). For these reasons, this variant has been classified as Pathogenic.

Literature cited by the submitters: PubMed 11006214 (cited by Labcorp Genetics (formerly Invitae), Labcorp); PubMed 9788845 (cited by Labcorp Genetics (formerly Invitae), Labcorp); PubMed 17576681 (cited by Labcorp Genetics (formerly Invitae), Labcorp); PubMed 9536098 (cited by Labcorp Genetics (formerly Invitae), Labcorp); PubMed 26851658 (cited by Labcorp Genetics (formerly Invitae), Labcorp).